The following is an entry in ClinVar:

NC_000003.12:g.169764968C>G

Genes: TERC (telomerase RNA component; minus strand), LOC110806306 (telomerase RNA component (TERC) promoter; plus strand). Cytogenetic location: 3q26.2.
Variant type: single nucleotide variant.
Genome position: GRCh38 VCF-style: chr3-169764968-C-G. GRCh37 (hg19) VCF-style: chr3-169482756-C-G.
Identifiers: ClinVar variation 665405 (VCV000665405.9), dbSNP rs745711557, ClinGen allele CA2696823.
Genomic context (GRCh38, chr3:169,764,968, plus strand): 5'-CGGTGGAAGGCGGCAGGCCGAGGCTTTTCCGCCCGCTGAAAGTCAGCGAGAAAAACAGCG[C>G]GCGGGGAGCAAAAGCACGGCGCCTACGCCCTTCTCAGTTAGGGTTAGACAAAAAATGGCC-3'

ClinVar aggregate classification (germline): Uncertain significance (1 of 4 stars; one submission).

Conditions:
Dyskeratosis congenita, autosomal dominant 1 (DKCA1). Also called: Dyskeratosis congenita Scoggins type. Identifiers: Orphanet 1775, MedGen C4551974, MONDO:0007485, OMIM 127550. Inheritance: Variable.

Allele frequency attached by ClinVar (database versions not stated): gnomAD exomes below 0.00001 and 0.00001; TOPMed below 0.00001; gnomAD 0.00001; ExAC 0.00002.
gnomAD v4.1: 2 of 765,388 alleles (0.00026%); highest among the groups gnomAD compares: African/African-American, 0.0017%; no homozygotes.

Submission:

Labcorp Genetics (formerly Invitae), Labcorp
Classification: Uncertain significance for Dyskeratosis congenita, autosomal dominant 1. Last evaluated: 2023-10-10. Review status: criteria provided, single submitter. Criteria: Invitae Variant Classification Sherloc (09022015). Collection method: clinical testing. Allele origin: germline.
Comment: This variant occurs in the TERC gene, which encodes an RNA molecule that does not result in a protein product. This variant is present in population databases (rs745711557, gnomAD 0.007%). This variant has been observed in individual(s) with myelodysplastic syndrome (PMID: 26024875). ClinVar contains an entry for this variant (Variation ID: 665405). This variant is located within the template/pseudoknot domain of the TERC RNA component, which is required for RNA or RNP stability (PMID: 15082312, 21844345). This variant is located in a region of TERC in which a significant number of disease causing variants have been reported (PMID: 15082312, 21844345, 21931702). These observations suggest that this may be a clinically significant region. In summary, the available evidence is currently insufficient to determine the role of this variant in disease. Therefore, it has been classified as a Variant of Uncertain Significance.

Literature cited by the submitters: PubMed 26024875; PubMed 15082312; PubMed 21844345; PubMed 21931702.